The following is an entry in ClinVar:

NM_206933.4(USH2A):c.13111C>T (p.Gln4371Ter)

Gene: USH2A (usherin; minus strand). Cytogenetic location: 1q41.
Variant type: single nucleotide variant.
Coding change: c.13111C>T on transcript NM_206933.4 (MANE Select); coding-DNA position 13111, C replaced by T.
Protein change: p.Gln4371Ter; replaces glutamine 4371 with a stop codon.
Molecular consequence: nonsense.
Genome position (GRCh38, 1-based): chr1:215,674,800, G>A on the plus strand (C>T on the coding strand, the complement: USH2A is on the minus strand). VCF-style: chr1-215674800-G-A. GRCh37 (hg19) VCF-style: chr1-215848142-G-A.
Other names: short protein forms Q4371*.
Identifiers: ClinVar variation 4717135 (VCV004717135.1).

ClinVar aggregate classification (germline): Pathogenic (1 of 4 stars; one submission).

Submission:

Labcorp Genetics (formerly Invitae), Labcorp
Classification: Pathogenic. Last evaluated: 2025-04-10. Review status: criteria provided, single submitter. Criteria: Invitae Variant Classification Sherloc (09022015). Collection method: clinical testing. Allele origin: germline.
Comment: This sequence change creates a premature translational stop signal (p.Gln4371*) in the USH2A gene. It is expected to result in an absent or disrupted protein product. Loss-of-function variants in USH2A are known to be pathogenic (PMID: 10729113, 10909849, 20507924, 25649381). This variant is not present in population databases (gnomAD no frequency). This variant has not been reported in the literature in individuals affected with USH2A-related conditions. For these reasons, this variant has been classified as Pathogenic.

Literature cited by the submitters: PubMed 10729113; PubMed 10909849; PubMed 20507924; PubMed 25649381.